The following continues an entry in ClinVar:

NM_000719.7(CACNA1C):c.1216G>A (p.Gly406Arg)

Gene: CACNA1C. ClinVar aggregate classification (germline): Pathogenic. Pathogenic (10).

Submissions 10 to 15 of 15:

Center for Genomics, Ann and Robert H. Lurie Children's Hospital of Chicago
Classification: Pathogenic for Timothy syndrome; Long QT syndrome 8; Neurodevelopmental disorder with hypotonia, language delay, and skeletal defects with or without seizures; Brugada syndrome 3. Review status: criteria provided, single submitter. Criteria: ACMG Guidelines, 2015. Collection method: clinical testing. Allele origin: germline.
Comment: This variant, located in the alternatively spliced exon 8A of the CACNA1C gene, is a well-established pathogenic variant that is referenced in the GeneReviews article for CACNA1C-Related Disorders as the predominant cause of classic Timothy syndrome (Napolitano 2021 PMID: 20301577). It has been reported in the literature and in ClinVar in numerous individuals with Timothy syndrome, including several instances of this variant as either de novo or mosaic; additionally, multiple individuals are reported to have inherited this variant from unaffected or mildly affected parents as a result of low-level somatic and/or germline mosaicism (Selected publications: Splawski 2004 PMID: 15454078; Etheridge 2011 PIMD: 21910241; Dufendach 2013 PMID: 23690510; Kawaida 2016 PMID: 27593853; Walsh 2018 PIMD: 28371864; ClinVar Variation ID: 17632). It is present in a single heterozygote in the Genome Aggregation Database (Highest reported MAF: 0.02% [1/4784]); please note, disease-causing variants may be present in control databases at low frequencies, reflective of the general population, incomplete penetrance, and/or variable expressivity. In vitro functional studies demonstrate a deleterious effect of this variant on calcium channel function (Selected publications: Splawski 2004 PMID: 15454078; Yarotskyy 2009 PMID: 19074970). A mouse model with this variant recapitulated various abnormal neurodevelopmental features seen in individuals with Timothy syndrome (Bader 2011 PIMD: 21878566). Evolutionary conservation and computational prediction tools strongly support that this variant impacts the protein. In summary, this variant is classified as pathogenic.

OMIM
Classification: Pathogenic for TIMOTHY SYNDROME. Last evaluated: 2011-03-10. Review status: no assertion criteria provided. Collection method: literature only. Allele origin: germline. Not counted in ClinVar's aggregate classification.

Cardiovascular Biomedical Research Unit, Royal Brompton & Harefield NHS Foundation Trust
No classification provided. Condition: Familial long QT syndrome. Review status: no classification provided. Collection method: literature only. Allele origin: germline. Not counted in ClinVar's aggregate classification.
Comment: This variant has been reported in the following publications (PMID:15454078;PMID:15863612;PMID:17224476;PMID:19074970;PMID:21878566).

GeneReviews
No classification provided. Condition: Timothy syndrome. Review status: no classification provided. Collection method: literature only. Allele origin: germline. Not counted in ClinVar's aggregate classification.

Joint Genome Diagnostic Labs from Nijmegen and Maastricht, Radboudumc and MUMC+
Classification: Pathogenic. Review status: no assertion criteria provided. Collection method: clinical testing. Allele origin: germline. Affected: yes. Study: VKGL Data-share Consensus. Not counted in ClinVar's aggregate classification.

Laboratory of Diagnostic Genome Analysis, Leiden University Medical Center (LUMC)
Classification: Pathogenic. Review status: no assertion criteria provided. Collection method: clinical testing. Allele origin: germline. Affected: yes. Study: VKGL Data-share Consensus. Not counted in ClinVar's aggregate classification.

Literature cited by the submitters: PubMed 15454078 (cited by 6 submitters); PubMed 28371864 (cited by Variantyx, Inc. and Ambry Genetics); PubMed 23690510 (cited by 3 submitters); PubMed 28211989 (cited by Variantyx, Inc. and Ambry Genetics); PubMed 15863612 (cited by 4 submitters); PubMed 18250309 (cited by Labcorp Genetics (formerly Invitae), Labcorp and OMIM); PubMed 19074970 (cited by 3 submitters); PubMed 26822303 (cited by Labcorp Genetics (formerly Invitae), Labcorp); PubMed 21910241 (cited by 3 submitters); PubMed 23578275 (cited by Labcorp Genetics (formerly Invitae), Labcorp); PubMed 23580742 (cited by Labcorp Genetics (formerly Invitae), Labcorp and Ambry Genetics); PubMed 26227324 (cited by Labcorp Genetics (formerly Invitae), Labcorp and Ambry Genetics); PubMed 16360093 (cited by Ambry Genetics); PubMed 21878566 (cited by Ambry Genetics and Cardiovascular Biomedical Research Unit, Royal Brompton & Harefield NHS Foundation Trust); PubMed 23313911 (cited by Ambry Genetics); PubMed 23631430 (cited by Ambry Genetics); PubMed 23678275 (cited by Ambry Genetics); PubMed 27593853 (cited by Ambry Genetics); PubMed 27868338 (cited by Ambry Genetics); PubMed 21307850 (cited by OMIM); PubMed 17224476 (cited by Cardiovascular Biomedical Research Unit, Royal Brompton & Harefield NHS Foundation Trust); PubMed 22581653 (cited by Cardiovascular Biomedical Research Unit, Royal Brompton & Harefield NHS Foundation Trust); NCBI Bookshelf NBK1403 (cited by GeneReviews).